The following is an entry in ClinVar:

NM_001458.5(FLNC):c.4445T>C (p.Leu1482Pro)

Gene: FLNC (filamin C; plus strand). Cytogenetic location: 7q32.1.
Variant type: single nucleotide variant.
Coding change: c.4445T>C on transcript NM_001458.5 (MANE Select); coding-DNA position 4445, T replaced by C.
Protein change: p.Leu1482Pro; replaces leucine 1482 with proline.
Molecular consequence: missense variant.
Genome position (GRCh38, 1-based): chr7:128,847,853, T>C. VCF-style: chr7-128847853-T-C. GRCh37 (hg19) VCF-style: chr7-128487907-T-C.
Other names: c.4445T>C, p.Leu1482Pro (NM_001127487.2); short protein forms L1482P.
Identifiers: ClinVar variation 2005116 (VCV002005116.4), dbSNP rs2536646127, ClinGen allele CA369201673.

ClinVar aggregate classification (germline): Uncertain significance (1 of 4 stars; one submission).

Conditions:
Myofibrillar myopathy 5. Also called: Filaminopathy (type); FILAMINOPATHY, AUTOSOMAL DOMINANT. Identifiers: Orphanet 171445, MedGen C1836050, MONDO:0012289, OMIM 609524.
Distal myopathy with posterior leg and anterior hand involvement. Also called: WILLIAMS DISTAL MYOPATHY. Identifiers: Orphanet 63273, MedGen C3279722, MONDO:0013550, OMIM 614065.
Hypertrophic cardiomyopathy 26. Also called: Cardiomyopathy, familial hypertrophic, 26. Identifiers: Orphanet 75249, MedGen C4310749, MONDO:0014883, OMIM 617047.

Submission:

Labcorp Genetics (formerly Invitae), Labcorp
Classification: Uncertain significance for Distal myopathy with posterior leg and anterior hand involvement; Myofibrillar myopathy 5; Hypertrophic cardiomyopathy 26. Last evaluated: 2022-06-12. Review status: criteria provided, single submitter. Criteria: Invitae Variant Classification Sherloc (09022015). Collection method: clinical testing. Allele origin: germline.
Comment: In summary, the available evidence is currently insufficient to determine the role of this variant in disease. Therefore, it has been classified as a Variant of Uncertain Significance. Algorithms developed to predict the effect of missense changes on protein structure and function are either unavailable or do not agree on the potential impact of this missense change (SIFT: "Tolerated"; PolyPhen-2: "Possibly Damaging"; Align-GVGD: "Class C0"). This variant has not been reported in the literature in individuals affected with FLNC-related conditions. This variant is not present in population databases (gnomAD no frequency). This sequence change replaces leucine, which is neutral and non-polar, with proline, which is neutral and non-polar, at codon 1482 of the FLNC protein (p.Leu1482Pro).